The following is an entry in ClinVar:

NM_001256545.2(MEGF10):c.782G>C (p.Gly261Ala)

Gene: MEGF10 (multiple EGF like domains 10; plus strand). Cytogenetic location: 5q23.2.
Variant type: single nucleotide variant.
Coding change: c.782G>C on transcript NM_001256545.2 (MANE Select); coding-DNA position 782, G replaced by C.
Protein change: p.Gly261Ala; replaces glycine 261 with alanine.
Molecular consequence: missense variant.
Genome position (GRCh38, 1-based): chr5:127,402,547, G>C. VCF-style: chr5-127402547-G-C. GRCh37 (hg19) VCF-style: chr5-126738239-G-C.
Other names: c.782G>C, p.Gly261Ala (NM_001308119.2, NM_001308121.2, NM_032446.3); short protein forms G261A.
Identifiers: ClinVar variation 3906744 (VCV003906744.1).

ClinVar aggregate classification (germline): Uncertain significance (1 of 4 stars; one submission).

gnomAD v4.1: 6 of 1,612,880 alleles (0.00037%); highest among the groups gnomAD compares: Non-Finnish European, 0.00051%; no homozygotes.

Submission:

GeneDx
Classification: Uncertain significance. Last evaluated: 2024-12-18. Review status: criteria provided, single submitter. Criteria: GeneDx Variant Classification Process June 2021. Collection method: clinical testing. Allele origin: germline. Affected: yes.
Comment: Not observed at significant frequency in large population cohorts (gnomAD); In silico analysis supports that this missense variant has a deleterious effect on protein structure/function; Has not been previously published as pathogenic or benign to our knowledge